The following is an entry in ClinVar:

ClinVar aggregate classification (germline): Pathogenic (1 of 4 stars; one submission).

Conditions:
Majeed syndrome (MJDS). Also called: CHRONIC RECURRENT MULTIFOCAL OSTEOMYELITIS 1, WITH CONGENITAL DYSERYTHROPOIETIC ANEMIA, WITH OR WITHOUT NEUTROPHILIC DERMATOSIS; LPIN2-Related Majeed Syndrome. Identifiers: Orphanet 77297, MedGen C1864997, MONDO:0012316, OMIM 609628.

Submission:

Labcorp Genetics (formerly Invitae), Labcorp
Classification: Pathogenic for Majeed syndrome. Last evaluated: 2021-10-12. Review status: criteria provided, single submitter. Criteria: Invitae Variant Classification Sherloc (09022015). Collection method: clinical testing. Allele origin: germline.
Comment: For these reasons, this variant has been classified as Pathogenic. This variant has not been reported in the literature in individuals affected with LPIN2-related conditions. This variant is not present in population databases (ExAC no frequency). This sequence change creates a premature translational stop signal (p.Ser610Ilefs*27) in the LPIN2 gene. It is expected to result in an absent or disrupted protein product. Loss-of-function variants in LPIN2 are known to be pathogenic (PMID: 15994876, 23087183).

Literature cited by the submitters: PubMed 15994876; PubMed 23087183.

NM_001375808.2(LPIN2):c.1826dup (p.Ser610fs)

Gene: LPIN2 (lipin 2; minus strand). Cytogenetic location: 18p11.31.
Variant type: Duplication.
Coding change: c.1826dup on transcript NM_001375808.2 (MANE Select); coding-DNA position 1826, one base duplicated (G; older notation c.1826dupG).
Protein change: p.Ser610fs; shifts the reading frame from serine 610.
Molecular consequence: frameshift variant.
Genome position (GRCh38, 1-based): chr18:2,925,336, C duplicated on the plus strand (G on the coding strand, the reverse complement: LPIN2 is on the minus strand); the first of 3 consecutive C bases (chr18:2,925,336-2,925,338); duplicating any one gives the same sequence. VCF-style (leftmost placement, unchanged base first): chr18-2925335-T-TC. GRCh37 (hg19) VCF-style: chr18-2925333-T-TC.
Other names: c.1826dup, p.Ser610fs (NM_001375809.1, NM_014646.2); short protein forms S610fs.
Identifiers: ClinVar variation 1416971 (VCV001416971.6), dbSNP rs2144133348, ClinGen allele CA2573155136.